The following is an entry in ClinVar:

ClinVar aggregate classification (germline): Uncertain significance. Review status: criteria provided, multiple submitters, no conflicts (2 of 4 stars). 2 submissions from 2 submitters: Uncertain significance (2). Last evaluated 2026-04-28.

Conditions:
Marfan syndrome (MFS). Also called: MARFAN SYNDROME, TYPE I; FBN1-Related Marfan Syndrome; Marfan syndrome, classic; Marfan syndrome type 1; Marfan's syndrome. Identifiers: Orphanet 284963, Orphanet 558, MedGen C0024796, MONDO:0007947, OMIM 154700.
Familial thoracic aortic aneurysm and aortic dissection (TAAD). Also called: Thoracic aortic aneurysms and dissections. Identifiers: Orphanet 91387, MedGen C4707243, MONDO:0019625.

Allele frequency attached by ClinVar (database versions not stated): gnomAD exomes below 0.00001; TOPMed 0.00001.
gnomAD v4.1: 2 of 1,614,012 alleles (0.00012%); highest among the groups gnomAD compares: African/African-American, 0.0013%; no homozygotes.

Submissions (2):

Ambry Genetics
Classification: Uncertain significance for Familial thoracic aortic aneurysm and aortic dissection. Last evaluated: 2026-04-28. Review status: criteria provided, single submitter. Criteria: Ambry Variant Classification Scheme 2023. Collection method: clinical testing. Allele origin: germline.
Comment: The p.T848N variant (also known as c.2543C>A), located in coding exon 21 of the FBN1 gene, results from a C to A substitution at nucleotide position 2543. The threonine at codon 848 is replaced by asparagine, an amino acid with similar properties. This variant was reported in individual(s) with features consistent with isolated ectopia lentis (Huang L et al. J Glaucoma, 2023 Jul;32:e80-e89). This amino acid position is well conserved in available vertebrate species. In addition, the in silico prediction for this alteration is inconclusive. Based on the available evidence, the clinical significance of this variant remains unclear.

Labcorp Genetics (formerly Invitae), Labcorp
Classification: Uncertain significance for Marfan syndrome; Familial thoracic aortic aneurysm and aortic dissection. Last evaluated: 2023-09-01. Review status: criteria provided, single submitter. Criteria: Invitae Variant Classification Sherloc (09022015). Collection method: clinical testing. Allele origin: germline.
Comment: This sequence change replaces threonine, which is neutral and polar, with asparagine, which is neutral and polar, at codon 848 of the FBN1 protein (p.Thr848Asn). This missense change has been observed in individual(s) with clinical features of FBN1-related conditions (Invitae). ClinVar contains an entry for this variant (Variation ID: 237087). Advanced modeling of protein sequence and biophysical properties (such as structural, functional, and spatial information, amino acid conservation, physicochemical variation, residue mobility, and thermodynamic stability) performed at Invitae indicates that this missense variant is not expected to disrupt FBN1 protein function. In summary, the available evidence is currently insufficient to determine the role of this variant in disease. Therefore, it has been classified as a Variant of Uncertain Significance. This variant is not present in population databases (gnomAD no frequency).

Literature cited by the submitters: PubMed 36946977 (cited by Ambry Genetics).

NM_000138.5(FBN1):c.2543C>A (p.Thr848Asn)

Gene: FBN1 (fibrillin 1; minus strand). Cytogenetic location: 15q21.1.
Variant type: single nucleotide variant.
Coding change: c.2543C>A on transcript NM_000138.5 (MANE Select); coding-DNA position 2543, C replaced by A.
Protein change: p.Thr848Asn; replaces threonine 848 with asparagine.
Molecular consequence: missense variant.
Genome position (GRCh38, 1-based): chr15:48,495,257, G>T on the plus strand (C>A on the coding strand, the complement: FBN1 is on the minus strand). VCF-style: chr15-48495257-G-T. GRCh37 (hg19) VCF-style: chr15-48787454-G-T.
Other names: short protein forms T848N.
Identifiers: ClinVar variation 237087 (VCV000237087.9), dbSNP rs878853680, ClinGen allele CA10583248.